The following is an entry in ClinVar:

NM_015570.4(AUTS2):c.2608C>G (p.Arg870Gly)

Gene: AUTS2 (activator of transcription and developmental regulator AUTS2; plus strand). Cytogenetic location: 7q11.22.
Variant type: single nucleotide variant.
Coding change: c.2608C>G on transcript NM_015570.4 (MANE Select); coding-DNA position 2608, C replaced by G.
Protein change: p.Arg870Gly; replaces arginine 870 with glycine.
Molecular consequence: missense variant.
Genome position (GRCh38, 1-based): chr7:70,789,824, C>G. VCF-style: chr7-70789824-C-G. GRCh37 (hg19) VCF-style: chr7-70254810-C-G.
Other names: c.2536C>G, p.Arg846Gly (NM_001127231.3); short protein forms R846G, R870G.
Identifiers: ClinVar variation 3602950 (VCV003602950.1).
Genomic context (GRCh38, chr7:70,789,824, plus strand): 5'-AGACACTCCAGCCACCCTTCACCAGCACCTGTCCTCCCGGTGAATGCCCTGGGACATACC[C>G]GCAGCTCCACTGAACAGATCCGGGCTCATCTGAACACTGAGGCTCGGGAGAAGGACAAAC-3'
Protein context (NP_056385.1, residues 860-880): VLPVNALGHT[Arg870Gly]SSTEQIRAHL

ClinVar aggregate classification (germline): Likely pathogenic (1 of 4 stars; one submission).

Submission:

GeneDx
Classification: Likely pathogenic. Last evaluated: 2024-08-07. Review status: criteria provided, single submitter. Criteria: GeneDx Variant Classification Process June 2021. Collection method: clinical testing. Allele origin: germline. Affected: yes.
Comment: In silico analysis supports that this missense variant has a deleterious effect on protein structure/function; Not observed at significant frequency in large population cohorts (gnomAD); Has not been previously published as pathogenic or benign to our knowledge